The following is an entry in ClinVar:

NM_002386.4(MC1R):c.123dup (p.Asp42Ter)

Gene: MC1R (melanocortin 1 receptor; plus strand). Cytogenetic location: 16q24.3.
Variant type: Duplication.
Coding change: c.123dup on transcript NM_002386.4 (MANE Select); coding-DNA position 123, one base duplicated (T; older notation c.123dupT).
Protein change: p.Asp42Ter; replaces aspartic acid 42 with a stop codon.
Molecular consequence: nonsense.
Genome position (GRCh38, 1-based): chr16:89,919,381, T duplicated. VCF-style (leftmost placement, unchanged base first): chr16-89919380-C-CT. GRCh37 (hg19) VCF-style: chr16-89985788-C-CT.
Other names: short protein forms D42*.
Identifiers: ClinVar variation 1394737 (VCV001394737.6), dbSNP rs1567757953, ClinGen allele CA624455317.

ClinVar aggregate classification (germline): Uncertain significance (1 of 4 stars; one submission).

Conditions:
Melanoma, cutaneous malignant, susceptibility to, 5. Also called: Cutaneous malignant melanoma 5. Identifiers: Orphanet 618, MedGen C2751295, MONDO:0013133, OMIM 613099.

Allele frequency attached by ClinVar (database versions not stated): gnomAD exomes below 0.00001 and 0.00001; TOPMed below 0.00001; gnomAD 0.00001.

Submission:

Labcorp Genetics (formerly Invitae), Labcorp
Classification: Uncertain significance for Melanoma, cutaneous malignant, susceptibility to, 5. Last evaluated: 2021-10-01. Review status: criteria provided, single submitter. Criteria: Invitae Variant Classification Sherloc (09022015). Collection method: clinical testing. Allele origin: germline.
Comment: This variant is not present in population databases (ExAC no frequency). This sequence change creates a premature translational stop signal (p.Asp42*) in the MC1R gene. While this is not anticipated to result in nonsense mediated decay, it is expected to disrupt the last 276 amino acid(s) of the MC1R protein. This premature translational stop signal has been observed in individual(s) with melanoma (PMID: 16567973). In summary, the available evidence is currently insufficient to determine the role of this variant in disease. Therefore, it has been classified as a Variant of Uncertain Significance. This variant is also known as 123_124insT.

Literature cited by the submitters: PubMed 16567973.